The following is an entry in ClinVar:

NM_004409.5(DMPK):c.*224CTG[461]

Genes: DM1-AS (DM1 locus antisense RNA; plus strand), DMPK (DM1 protein kinase; minus strand), LOC107075317 (origin of replication in DMPK trinucleotide repeat region; plus strand), LOC109461477 (dystrophia myotonica protein kinase repeat instability region; plus strand). Cytogenetic location: 19q13.32.
Variant type: Microsatellite.
Coding change: c.*224CTG[461] on transcript NM_004409.5 (MANE Select); 461 copies in a row of the 3-base unit CTG starting at c.*224.
Molecular consequence: 3 prime UTR variant.
Genome position: GRCh38, VCF-style position (the base before the change): chr19:45,770,204. GRCh37 (hg19), VCF-style position (the base before the change): chr19:46,273,462.
Other names: DM1 CTG repeat expansion; c.*369CTG[461] (NM_001288766.2, NM_001424164.1, NM_001424168.1); c.*217CTG[461] (NM_001424162.1, NM_001424163.1, NM_001424166.1 and 2 more transcripts); c.*224CTG[461] (NM_001424165.1, NM_001424169.1, NM_001081560.3 and 1 more transcripts); c.*222_*224TGC[461] (NM_001081563.3).
Identifiers: ClinVar variation 187988 (VCV000187988.1), ClinGen allele CA915951807.

ClinVar aggregate classification (germline): Pathogenic (0 of 4 stars; one submission).

Conditions:
Steinert myotonic dystrophy syndrome (DM1). Also called: STEINERT DISEASE; Myotonic dystrophy type 1; Dystrophia myotonica type 1; Steinert myotonic dystrophy; Steinert's disease. Identifiers: Orphanet 273, MedGen C3250443, MONDO:0008056, OMIM 160900.

Submission:

Institute of Molecular, Cell and Systems Biology, University of Glasgow
Classification: Pathogenic for Steinert myotonic dystrophy syndrome. Review status: no assertion criteria provided. Criteria: research. Collection method: research. Allele origin: germline. Inheritance: Autosomal dominant inheritance. Affected: yes. Observed: 2 heterozygotes.
Comment: DMPK CTG repeat expansions greater than approximately 45-50 repeats are assumed to be pathogenic

This record is based on data published in PubMed 25052313, which reports only ClinVar accessions SCV000120188 and SCV000120189. The complete data set includes SCV000207445 - SCV000207579.

Literature cited by the submitters: PubMed 1346923; PubMed 1546326; PubMed 25052313.